The following is an entry in ClinVar:

ClinVar aggregate classification (germline): Uncertain significance. Review status: criteria provided, multiple submitters, no conflicts (2 of 4 stars). 4 submissions from 4 submitters: Uncertain significance (4). Last evaluated 2026-01-29.

Conditions:
Inborn genetic diseases. Identifiers: MedGen C0950123, MeSH D030342.
EAST syndrome (SESAMES). Also called: SEIZURES, SENSORINEURAL DEAFNESS, ATAXIA, IMPAIRED INTELLECTUAL DEVELOPMENT, AND ELECTROLYTE IMBALANCE. Identifiers: Orphanet 199343, MedGen C2748572, MONDO:0013005, OMIM 612780.
Pendred syndrome (PDS). Also called: Pendred Syndrome (PDS); GOITER-DEAFNESS SYNDROME; DEAFNESS WITH GOITER; HYPOTHYROIDISM, CONGENITAL, DUE TO DYSHORMONOGENESIS, 2B; THYROID DYSHORMONOGENESIS 2B; THYROID HORMONOGENESIS, GENETIC DEFECT IN, 2B. Identifiers: Orphanet 705, MedGen C0271829, MONDO:0010134, OMIM 274600.
Autosomal recessive nonsyndromic hearing loss 4 (DFNB4). Also called: Enlarged vestibular aqueduct, digenic; FOXI1-Related Pendred Syndrome; KCNJ10-Related Pendred Syndrome; DEAFNESS, AUTOSOMAL RECESSIVE 4, WITH ENLARGED VESTIBULAR AQUEDUCT, DIGENIC; NEUROSENSORY NONSYNDROMIC RECESSIVE DEAFNESS 4; Nonsyndromic enlarged vestibular aqueduct (NSEVA). Identifiers: Orphanet 90636, MedGen C3538946, MONDO:0010933, OMIM 600791.

Allele frequency attached by ClinVar (database versions not stated): gnomAD 0.00002 and 0.00003; ExAC 0.00003; gnomAD exomes 0.00005; TOPMed 0.00009.
gnomAD v4.1: 95 of 1,614,212 alleles (0.0059%); highest among the groups gnomAD compares: Non-Finnish European, 0.0069%; no homozygotes.

Submissions (4):

Labcorp Genetics (formerly Invitae), Labcorp
Classification: Uncertain significance for EAST syndrome. Last evaluated: 2026-01-29. Review status: criteria provided, single submitter. Criteria: Invitae Variant Classification Sherloc (09022015). Collection method: clinical testing. Allele origin: germline.
Comment: This sequence change replaces arginine, which is basic and polar, with glutamine, which is neutral and polar, at codon 230 of the KCNJ10 protein (p.Arg230Gln). This variant is present in population databases (rs200807361, gnomAD 0.009%). This variant has not been reported in the literature in individuals affected with KCNJ10-related conditions. ClinVar contains an entry for this variant (Variation ID: 470194). Invitae Evidence Modeling of protein sequence and biophysical properties (such as structural, functional, and spatial information, amino acid conservation, physicochemical variation, residue mobility, and thermodynamic stability) indicates that this missense variant is not expected to disrupt KCNJ10 protein function with a negative predictive value of 95%. In summary, the available evidence is currently insufficient to determine the role of this variant in disease. Therefore, it has been classified as a Variant of Uncertain Significance.

Ambry Genetics
Classification: Uncertain significance for Inborn genetic diseases. Last evaluated: 2024-02-21. Review status: criteria provided, single submitter. Criteria: Ambry Variant Classification Scheme 2023. Collection method: clinical testing. Allele origin: germline.

Blueprint Genetics
Classification: Uncertain significance. Last evaluated: 2024-02-02. Review status: criteria provided, single submitter. Criteria: ACMG Guidelines, 2015. Collection method: clinical testing. Allele origin: germline.

Fulgent Genetics
Classification: Uncertain significance for Pendred syndrome; Autosomal recessive nonsyndromic hearing loss 4; EAST syndrome. Last evaluated: 2022-03-22. Review status: criteria provided, single submitter. Criteria: ACMG Guidelines, 2015. Collection method: clinical testing. Allele origin: unknown.

NM_002241.5(KCNJ10):c.689G>A (p.Arg230Gln)

Gene: KCNJ10 (potassium inwardly rectifying channel subfamily J member 10; minus strand). Cytogenetic location: 1q23.2.
Variant type: single nucleotide variant.
Coding change: c.689G>A on transcript NM_002241.5 (MANE Select); coding-DNA position 689, G replaced by A.
Protein change: p.Arg230Gln; replaces arginine 230 with glutamine.
Molecular consequence: missense variant.
Genome position (GRCh38, 1-based): chr1:160,041,844, C>T on the plus strand (G>A on the coding strand, the complement: KCNJ10 is on the minus strand). VCF-style: chr1-160041844-C-T. GRCh37 (hg19) VCF-style: chr1-160011634-C-T.
Other names: short protein forms R230Q.
Identifiers: ClinVar variation 470194 (VCV000470194.11), dbSNP rs200807361, ClinGen allele CA1193218.
Genomic context (GRCh38, chr1:160,041,844, plus strand): 5'-ATAAGGAAGGGGCTGTCAGAGGCTGTGTCTACTTGGAAAGTCACATTGACCTGGTTGAGC[C>T]GGATGTTCTCCCCTTCCTTGGTTTGGTGGGTCTGAAGCAGTTTTCCTGTCACCTGGCAGC-3'
Protein context (NP_002232.2, residues 220-240): THQTKEGENI[Arg230Gln]LNQVNVTFQV